The following is an entry in ClinVar:

ClinVar aggregate classification (germline): Benign. Review status: criteria provided, multiple submitters, no conflicts (2 of 4 stars). 3 submissions from 3 submitters: Benign (2). 1 of the submissions does not count toward it. Last evaluated 2017-05-30.

Conditions:
SHROOM2-related disorder. Also called: SHROOM2-related condition.

Allele frequency attached by ClinVar (database versions not stated): gnomAD exomes 0.00288; ExAC 0.00401; 1000 Genomes Project 0.00927; gnomAD 0.00979 and 0.01052; 1000 Genomes Project 30x 0.00999; TOPMed 0.01127; ESP Exome Variant Server 0.01303.
gnomAD v4.1: 2,309 of 1,208,845 alleles (0.19%); highest among the groups gnomAD compares: African/African-American, 3.4%; 24 homozygotes.

Submissions (3):

Labcorp Genetics (formerly Invitae), Labcorp
Classification: Benign. Last evaluated: 2017-05-30. Review status: criteria provided, single submitter. Criteria: Invitae Variant Classification Sherloc (09022015). Collection method: clinical testing. Allele origin: germline.

Breakthrough Genomics
Classification: Benign. Review status: criteria provided, single submitter. Criteria: ACMG Guidelines, 2015. Collection method: not provided. Allele origin: germline. Inheritance: Unknown mechanism. Affected: yes.

PreventionGenetics, part of Exact Sciences
Classification: Benign for SHROOM2-related condition. Last evaluated: 2019-03-01. Review status: no assertion criteria provided. Collection method: clinical testing. Allele origin: germline. Not counted in ClinVar's aggregate classification.
Comment: This variant is classified as benign based on ACMG/AMP sequence variant interpretation guidelines (Richards et al. 2015 PMID: 25741868, with internal and published modifications).

NM_001649.4(SHROOM2):c.2195T>A (p.Leu732Gln)

Gene: SHROOM2 (shroom family member 2; plus strand). Cytogenetic location: Xp22.2.
Variant type: single nucleotide variant.
Coding change: c.2195T>A on transcript NM_001649.4 (MANE Select); coding-DNA position 2195, T replaced by A.
Protein change: p.Leu732Gln; replaces leucine 732 with glutamine.
Molecular consequence: missense variant.
Genome position (GRCh38, 1-based): chrX:9,896,103, T>A. VCF-style: chrX-9896103-T-A. GRCh37 (hg19) VCF-style: chrX-9864143-T-A.
Other names: short protein forms L732Q.
Identifiers: ClinVar variation 778976 (VCV000778976.6), dbSNP rs145727348, ClinGen allele CA10345505.